The following is an entry in ClinVar:

NM_001457.4(FLNB):c.1872C>A (p.Asp624Glu)

Gene: FLNB (filamin B; plus strand). Cytogenetic location: 3p14.3.
Variant type: single nucleotide variant.
Coding change: c.1872C>A on transcript NM_001457.4 (MANE Select); coding-DNA position 1872, C replaced by A.
Protein change: p.Asp624Glu; replaces aspartic acid 624 with glutamic acid.
Molecular consequence: missense variant.
Genome position (GRCh38, 1-based): chr3:58,106,804, C>A. VCF-style: chr3-58106804-C-A. GRCh37 (hg19) VCF-style: chr3-58092531-C-A.
Other names: c.1872C>A, p.Asp624Glu (NM_001164317.2, NM_001164318.2, NM_001164319.2); short protein forms D624E.
Identifiers: ClinVar variation 3009683 (VCV003009683.3), dbSNP rs768974308, ClinGen allele CA353340719.

ClinVar aggregate classification (germline): Uncertain significance (1 of 4 stars; one submission).

gnomAD v4.1: 3 of 1,614,082 alleles (0.00019%); no homozygotes.

Submission:

Labcorp Genetics (formerly Invitae), Labcorp
Classification: Uncertain significance. Last evaluated: 2024-07-20. Review status: criteria provided, single submitter. Criteria: Invitae Variant Classification Sherloc (09022015). Collection method: clinical testing. Allele origin: germline.
Comment: This sequence change replaces aspartic acid, which is acidic and polar, with glutamic acid, which is acidic and polar, at codon 624 of the FLNB protein (p.Asp624Glu). This variant is not present in population databases (gnomAD no frequency). This variant has not been reported in the literature in individuals affected with FLNB-related conditions. Advanced modeling of protein sequence and biophysical properties (such as structural, functional, and spatial information, amino acid conservation, physicochemical variation, residue mobility, and thermodynamic stability) performed at Invitae indicates that this missense variant is not expected to disrupt FLNB protein function with a negative predictive value of 95%. In summary, the available evidence is currently insufficient to determine the role of this variant in disease. Therefore, it has been classified as a Variant of Uncertain Significance.